The following is an entry in ClinVar:

NM_000064.4(C3):c.987C>T (p.Thr329=)

Gene: C3 (complement C3; minus strand). Cytogenetic location: 19p13.3.
Variant type: single nucleotide variant.
Coding change: c.987C>T on transcript NM_000064.4 (MANE Select); coding-DNA position 987, C replaced by T.
Protein change: p.Thr329=; no amino-acid change (threonine 329 retained).
Molecular consequence: synonymous variant.
Genome position (GRCh38, 1-based): chr19:6,713,205, G>A on the plus strand (C>T on the coding strand, the complement: C3 is on the minus strand). VCF-style: chr19-6713205-G-A. GRCh37 (hg19) VCF-style: chr19-6713216-G-A.
Other names: p.Thr329=.
Identifiers: ClinVar variation 1674240 (VCV001674240.14), dbSNP rs748313429, ClinGen allele CA9129607.
Genomic context (GRCh38, chr19:6,713,205, plus strand): 5'-GCCCACTTGGTGGTCCTGAGCCTGGCCTTCAGACTGGGCCTCACCTGAGTGCAAGATGAC[G>A]GTGGCAGACACGTACAAAGACTTCCCCACCAGGTCTTCTGCTCGGGGGTTCTGCACCCCG-3'
Protein context (NP_000055.2, residues 319-339): LVGKSLYVSA[Thr329=]VILHSGSDMV

ClinVar aggregate classification (germline): Conflicting classifications of pathogenicity. Review status: criteria provided, conflicting classifications (1 of 4 stars). 6 submissions from 6 submitters: Uncertain significance (1); Likely benign (5). Last evaluated 2025-10-23.

Conditions:
Atypical hemolytic-uremic syndrome. Identifiers: Orphanet 2134, MedGen C2931788, MONDO:0016244.
Atypical hemolytic-uremic syndrome with C3 anomaly. Also called: AHUS, SUSCEPTIBILITY TO, 5. Identifiers: Orphanet 2134, MedGen C2752037, MONDO:0013043, OMIM 612925.
Age related macular degeneration 9. Identifiers: MedGen C1969651, MONDO:0012659, OMIM 611378.
Complement component 3 deficiency. Identifiers: Orphanet 280133, MedGen C3151071, MONDO:0013417, OMIM 613779.

Allele frequency attached by ClinVar (database versions not stated): ExAC 0.00004; gnomAD 0.00007 and 0.00009; TOPMed 0.00009.
gnomAD v4.1: 102 of 1,613,620 alleles (0.0063%); highest among the groups gnomAD compares: Middle Eastern, 0.033%; no homozygotes.

Submissions (6):

Labcorp Genetics (formerly Invitae), Labcorp
Classification: Likely benign. Last evaluated: 2025-10-23. Review status: criteria provided, single submitter. Criteria: Invitae Variant Classification Sherloc (09022015). Collection method: clinical testing. Allele origin: germline.

Mayo Clinic Laboratories, Mayo Clinic
Classification: Likely benign. Last evaluated: 2025-10-08. Review status: criteria provided, single submitter. Criteria: ACMG Guidelines, 2015. Collection method: clinical testing. Allele origin: germline. Observed: 1 variant allele.
Comment: BP4, BP7

Blueprint Genetics
Classification: Likely benign. Last evaluated: 2024-10-22. Review status: criteria provided, single submitter. Criteria: ACMG Guidelines, 2015. Collection method: clinical testing. Allele origin: germline.

Fulgent Genetics
Classification: Likely benign for Age related macular degeneration 9; Atypical hemolytic-uremic syndrome with C3 anomaly; Complement component 3 deficiency. Last evaluated: 2022-03-19. Review status: criteria provided, single submitter. Criteria: ACMG Guidelines, 2015. Collection method: clinical testing. Allele origin: unknown.

Genome Diagnostics Laboratory, The Hospital for Sick Children
Classification: Uncertain significance for Atypical hemolytic-uremic syndrome. Last evaluated: 2020-02-01. Review status: criteria provided, single submitter. Criteria: ACMG Guidelines, 2015. Collection method: clinical testing. Allele origin: germline.

Breakthrough Genomics
Classification: Likely benign. Review status: criteria provided, single submitter. Criteria: ACMG Guidelines, 2015. Collection method: not provided. Allele origin: germline. Inheritance: Autosomal recessive inheritance. Affected: yes.